The following is an entry in ClinVar:

NM_003061.3(SLIT1):c.4245C>T (p.Ala1415=)

Gene: SLIT1 (slit guidance ligand 1; minus strand). Cytogenetic location: 10q24.1.
Variant type: single nucleotide variant.
Coding change: c.4245C>T on transcript NM_003061.3 (MANE Select); coding-DNA position 4245, C replaced by T.
Protein change: p.Ala1415=; no amino-acid change (alanine 1415 retained).
Molecular consequence: synonymous variant.
Genome position (GRCh38, 1-based): chr10:97,002,279, G>A on the plus strand (C>T on the coding strand, the complement: SLIT1 is on the minus strand). VCF-style: chr10-97002279-G-A. GRCh37 (hg19) VCF-style: chr10-98762036-G-A.
Identifiers: ClinVar variation 2640731 (VCV002640731.24), dbSNP rs201999932, ClinGen allele CA5627685.
Genomic context (GRCh38, chr10:97,002,279, plus strand): 5'-TGAGGCCTGGCAGTGGCCATGCAGGCACTGCAGGCCTCTGCAGGGCTCTGCCAGGGCCCC[G>A]GCCTGGTTGCACAGTGCCCCCGAGTACCCATCCTGGCACTGGCAGCTGTAGGAAAGAGCG-3'
Protein context (NP_003052.2, residues 1405-1425): DGYSGALCNQ[Ala1415=]GALAEPCRGL

ClinVar aggregate classification (germline): Likely benign (1 of 4 stars; one submission).

Allele frequency attached by ClinVar (database versions not stated): ESP Exome Variant Server 0.00008; gnomAD exomes 0.00019; 1000 Genomes Project 30x 0.00031; ExAC 0.00039; 1000 Genomes Project 0.00040; gnomAD 0.00050; TOPMed 0.00057.
gnomAD v4.1: 358 of 1,609,364 alleles (0.022%); highest among the groups gnomAD compares: Admixed American, 0.22%; 3 homozygotes.

Submission:

CeGaT Center for Human Genetics Tuebingen
Classification: Likely benign. Last evaluated: 2023-02-01. Review status: criteria provided, single submitter. Criteria: CeGaT Center For Human Genetics Tuebingen Variant Classification Criteria Version 2. Collection method: clinical testing. Allele origin: germline. Affected: yes. Observed: 1 variant allele.
Comment: SLIT1: BP4, BP7